The following is an entry in ClinVar:

ClinVar aggregate classification (germline): Conflicting classifications of pathogenicity. Review status: criteria provided, conflicting classifications (1 of 4 stars). 3 submissions from 3 submitters: Uncertain significance (1); Likely benign (2). Last evaluated 2026-01-09.

Conditions:
Usher syndrome type 1C. Also called: USHER SYNDROME, TYPE I, ACADIAN VARIETY. Identifiers: Orphanet 231169, Orphanet 886, MedGen C1848604, MONDO:0010171, OMIM 276904.

Allele frequency attached by ClinVar (database versions not stated): gnomAD 0.00001; TOPMed 0.00002; gnomAD exomes 0.00003 and 0.00006; ExAC 0.00004.
gnomAD v4.1: 52 of 1,613,844 alleles (0.0032%); highest among the groups gnomAD compares: South Asian, 0.024%; no homozygotes.

Submissions (3):

Labcorp Genetics (formerly Invitae), Labcorp
Classification: Likely benign. Last evaluated: 2026-01-09. Review status: criteria provided, single submitter. Criteria: Invitae Variant Classification Sherloc (09022015). Collection method: clinical testing. Allele origin: germline.

Illumina Laboratory Services, Illumina
Classification: Uncertain significance for Usher syndrome type 1C. Last evaluated: 2018-01-13. Review status: criteria provided, single submitter. Criteria: ICSL Variant Classification Criteria 13 December 2019. Collection method: clinical testing. Allele origin: germline.

Laboratory for Molecular Medicine, Mass General Brigham Personalized Medicine
Classification: Likely benign. Last evaluated: 2017-08-23. Review status: criteria provided, single submitter. Criteria: LMM Criteria. Collection method: clinical testing. Allele origin: germline. Observed: 1 variant allele.
Comment: p.Glu22Glu in exon 2 of USH1C: This variant is not expected to have clinical sig nificance because it does not alter an amino acid residue and is not located wit hin the splice consensus sequence. It has been identified in 0.02% (4/16474) of South Asian chromosomes by the Exome Aggregation Consortium (ExAC; dbSNP rs768165881).

NM_153676.4(USH1C):c.66G>A (p.Glu22=)

Gene: USH1C (USH1 protein network component harmonin; minus strand). Cytogenetic location: 11p15.1.
Variant type: single nucleotide variant.
Coding change: c.66G>A on transcript NM_153676.4 (MANE Select); coding-DNA position 66, G replaced by A.
Protein change: p.Glu22=; no amino-acid change (glutamic acid 22 retained).
Molecular consequence: synonymous variant. On other transcripts: non-coding transcript variant (1).
Genome position (GRCh38, 1-based): chr11:17,533,293, C>T on the plus strand (G>A on the coding strand, the complement: USH1C is on the minus strand). VCF-style: chr11-17533293-C-T. GRCh37 (hg19) VCF-style: chr11-17554840-C-T.
Other names: c.66G>A, p.Glu22= (NM_001297764.2, NM_005709.4).
Identifiers: ClinVar variation 517583 (VCV000517583.17), dbSNP rs768165881, ClinGen allele CA5905192.